The following is an entry in ClinVar:

ClinVar aggregate classification (germline): Conflicting classifications of pathogenicity. Review status: criteria provided, conflicting classifications (1 of 4 stars). 2 submissions from 2 submitters: Uncertain significance (1); Likely benign (1). Last evaluated 2025-10-07.

Conditions:
Regional enteritis. Also called: Enteritis, Granulomatous. Identifiers: MedGen C0678202, MeSH D003424.
Blau syndrome (BLAUS). Also called: GRANULOMATOSIS, FAMILIAL JUVENILE SYSTEMIC; GRANULOMATOSIS, FAMILIAL, BLAU TYPE; GRANULOMATOUS INFLAMMATORY ARTHRITIS, DERMATITIS, AND UVEITIS, FAMILIAL; JABS SYNDROME; ARTHROCUTANEOUVEAL GRANULOMATOSIS. Identifiers: Orphanet 90340, MedGen C5201146, MONDO:0008523, OMIM 186580.

Allele frequency attached by ClinVar (database versions not stated): gnomAD exomes 0.00002 and 0.00007; ExAC 0.00008; TOPMed 0.00014; gnomAD 0.00015 and 0.00016; 1000 Genomes Project 30x 0.00016; 1000 Genomes Project 0.00020; ESP Exome Variant Server 0.00023.

Submissions (2):

Labcorp Genetics (formerly Invitae), Labcorp
Classification: Likely benign for Regional enteritis; Blau syndrome. Last evaluated: 2025-10-07. Review status: criteria provided, single submitter. Criteria: Invitae Variant Classification Sherloc (09022015). Collection method: clinical testing. Allele origin: germline.

ARUP Laboratories, Molecular Genetics and Genomics, ARUP Laboratories
Classification: Uncertain significance. Last evaluated: 2025-04-07. Review status: criteria provided, single submitter. Criteria: ARUP Molecular Germline Variant Investigation Process 2024. Collection method: clinical testing. Allele origin: germline.
Comment: The NOD2 c.380C>T; p.Ser127Leu variant (rs146395646, ClinVar Variation ID: 1001128) is reported in the literature in one individual affected with Yao syndrome (Zhang 2024). This variant is found in the general population with an overall allele frequency of 0.007% (21/281,990 alleles) in the Genome Aggregation Database (v2.1.1). Computational analyses predict that this variant is neutral (REVEL: 0.078). Due to limited information, the clinical significance of this variant is uncertain at this time. References: Zhang J et al. Expanding clinical characteristics and genotypic profiling of Yao syndrome in Chinese patients. Front Immunol. 2024 Sep 3;15:1444542. PMID: 39290705.

NM_001370466.1(NOD2):c.299C>T (p.Ser100Leu)

Gene: NOD2 (nucleotide binding oligomerization domain containing 2; plus strand). Cytogenetic location: 16q12.1.
Variant type: single nucleotide variant.
Coding change: c.299C>T on transcript NM_001370466.1 (MANE Select); coding-DNA position 299, C replaced by T.
Protein change: p.Ser100Leu; replaces serine 100 with leucine.
Molecular consequence: missense variant. On other transcripts: non-coding transcript variant (1).
Genome position (GRCh38, 1-based): chr16:50,699,794, C>T. VCF-style: chr16-50699794-C-T. GRCh37 (hg19) VCF-style: chr16-50733705-C-T.
Other names: c.299C>T, p.Ser100Leu (NM_001293557.2); c.380C>T, p.Ser127Leu (NM_022162.3); short protein forms S100L, S127L.
Identifiers: ClinVar variation 1001128 (VCV001001128.10), dbSNP rs146395646, ClinGen allele CA8051266.